The following is an entry in ClinVar:

NM_001128840.3(CACNA1D):c.767-12dup

Gene: CACNA1D (calcium voltage-gated channel subunit alpha1 D; plus strand). Cytogenetic location: 3p21.1.
Variant type: Duplication.
Coding change: c.767-12dup on transcript NM_001128840.3 (MANE Select); 12 bases into the intron before coding-DNA position 767, one base duplicated (T; older notation c.767-12dupT).
Molecular consequence: intron variant.
Genome position (GRCh38, 1-based): chr3:53,665,648, T duplicated; the last of 9 consecutive T bases (chr3:53,665,640-53,665,648); duplicating any one gives the same sequence. VCF-style (leftmost placement, unchanged base first): chr3-53665639-A-AT. GRCh37 (hg19) VCF-style: chr3-53699666-A-AT.
Other names: c.767-12dup (NM_001128839.3, NM_000720.4).
Identifiers: ClinVar variation 1223836 (VCV001223836.6), dbSNP rs545367514, ClinGen allele CA2453759.

ClinVar aggregate classification (germline): Likely benign (1 of 4 stars; one submission).

Submission:

GeneDx
Classification: Likely benign. Last evaluated: 2023-11-14. Review status: criteria provided, single submitter. Criteria: GeneDx Variant Classification Process June 2021. Collection method: clinical testing. Allele origin: germline. Affected: yes.
Comment: See Variant Classification Assertion Criteria.